The following is an entry in ClinVar:

ClinVar aggregate classification (germline): Likely pathogenic (1 of 4 stars; one submission).

Submission:

Labcorp Genetics (formerly Invitae), Labcorp
Classification: Likely pathogenic. Last evaluated: 2024-02-03. Review status: criteria provided, single submitter. Criteria: Invitae Variant Classification Sherloc (09022015). Collection method: clinical testing. Allele origin: germline.
Comment: This sequence change replaces glutamine, which is neutral and polar, with proline, which is neutral and non-polar, at codon 110 of the ABCA4 protein (p.Gln110Pro). This variant is not present in population databases (gnomAD no frequency). This missense change has been observed in individual(s) with Stargardt disease (Invitae). ClinVar contains an entry for this variant (Variation ID: 1513023). Advanced modeling of protein sequence and biophysical properties (such as structural, functional, and spatial information, amino acid conservation, physicochemical variation, residue mobility, and thermodynamic stability) performed at Invitae indicates that this missense variant is expected to disrupt ABCA4 protein function with a positive predictive value of 95%. In summary, the currently available evidence indicates that the variant is pathogenic, but additional data are needed to prove that conclusively. Therefore, this variant has been classified as Likely Pathogenic.

NM_000350.3(ABCA4):c.329A>C (p.Gln110Pro)

Gene: ABCA4 (ATP binding cassette subfamily A member 4; minus strand). Cytogenetic location: 1p22.1.
Variant type: single nucleotide variant.
Coding change: c.329A>C on transcript NM_000350.3 (MANE Select); coding-DNA position 329, A replaced by C.
Protein change: p.Gln110Pro; replaces glutamine 110 with proline.
Molecular consequence: missense variant.
Genome position (GRCh38, 1-based): chr1:94,108,690, T>G on the plus strand (A>C on the coding strand, the complement: ABCA4 is on the minus strand). VCF-style: chr1-94108690-T-G. GRCh37 (hg19) VCF-style: chr1-94574246-T-G.
Other names: c.329A>C, p.Gln110Pro (NM_001425324.1); short protein forms Q110P.
Identifiers: ClinVar variation 1513023 (VCV001513023.8), dbSNP rs2101156046, ClinGen allele CA341293199.